The following is an entry in ClinVar:

NM_000465.4(BARD1):c.1348_1349delinsCAT (p.Asn450fs)

Gene: BARD1 (BRCA1 associated RING domain 1; minus strand). Cytogenetic location: 2q35.
Variant type: Indel.
Coding change: c.1348_1349delinsCAT on transcript NM_000465.4 (MANE Select); coding-DNA positions 1348 to 1349, AA replaced by CAT.
Protein change: p.Asn450fs; shifts the reading frame from asparagine 450.
Molecular consequence: frameshift variant. On other transcripts: non-coding transcript variant (3), intron variant (3).
Genome position (GRCh38, 1-based): chr2:214,769,278-214,769,279, TT replaced by ATG on the plus strand (AA replaced by CAT on the coding strand, the reverse complement: BARD1 is on the minus strand). VCF-style: chr2-214769278-TT-ATG. GRCh37 (hg19) VCF-style: chr2-215634002-TT-ATG.
Other names: c.1291_1292delinsCAT, p.Asn431fs (NM_001282543.2); c.159-16724_159-16723delinsCAT (NM_001282548.2); c.216-16724_216-16723delinsCAT (NM_001282545.2); c.364+23018_364+23019delinsCAT (NM_001282549.2); short protein forms N431fs, N450fs.
Identifiers: ClinVar variation 530150 (VCV000530150.20), dbSNP rs1553619713, ClinGen allele CA658796153.

ClinVar aggregate classification (germline): Pathogenic/Likely pathogenic. Review status: criteria provided, multiple submitters, no conflicts (2 of 4 stars). 7 submissions from 7 submitters: Pathogenic (6); Likely pathogenic (1). Last evaluated 2025-01-09.

Conditions:
Hereditary cancer-predisposing syndrome. Also called: Hereditary Cancer Syndrome; Neoplastic Syndromes, Hereditary; Hereditary neoplastic syndrome; Tumor predisposition. Identifiers: Orphanet 140162, MedGen C0027672, MeSH D009386, MONDO:0015356.
Familial cancer of breast. Also called: Hereditary breast cancer; hereditary breast carcinoma; BREAST CANCER, FAMILIAL. Identifiers: Orphanet 227535, MedGen C0346153, MONDO:0016419, OMIM 114480. Disease mechanism: loss of function.

Submissions (7):

Quest Diagnostics Nichols Institute San Juan Capistrano
Classification: Pathogenic. Last evaluated: 2025-01-09. Review status: criteria provided, single submitter. Criteria: Quest Diagnostics criteria. Collection method: clinical testing. Allele origin: unknown.
Comment: The BARD1 c.1348_1349delinsCAT (p.Asn450Hisfs*4) variant alters the translational reading frame of the BARD1 mRNA and causes the premature termination of BARD1 protein synthesis. This variant has been reported in the published literature in an individual with breast cancer (PMID: 38355628 (2024)). This variant has not been reported in large, multi-ethnic general populations (Genome Aggregation Database). Based on the available information, this variant is classified as pathogenic.

Ambry Genetics
Classification: Pathogenic for Hereditary cancer-predisposing syndrome. Last evaluated: 2024-06-28. Review status: criteria provided, single submitter. Criteria: Ambry Variant Classification Scheme 2023. Collection method: clinical testing. Allele origin: germline.
Comment: The c.1348_1349delAAinsCAT pathogenic mutation, located in coding exon 5 of the BARD1 gene, results from the deletion of two nucleotides and insertion of 3 nucleotides causing a translational frameshift with a predicted alternate stop codon (p.N450Hfs*4). This variant is considered to be rare based on population cohorts in the Genome Aggregation Database (gnomAD). This alteration is expected to result in loss of function by premature protein truncation or nonsense-mediated mRNA decay. As such, this alteration is interpreted as a disease-causing mutation.

Labcorp Genetics (formerly Invitae), Labcorp
Classification: Pathogenic for Familial cancer of breast. Last evaluated: 2024-05-21. Review status: criteria provided, single submitter. Criteria: Invitae Variant Classification Sherloc (09022015). Collection method: clinical testing. Allele origin: germline.
Comment: This sequence change creates a premature translational stop signal (p.Asn450Hisfs*4) in the BARD1 gene. It is expected to result in an absent or disrupted protein product. Loss-of-function variants in BARD1 are known to be pathogenic (PMID: 20077502, 21344236). This variant is not present in population databases (gnomAD no frequency). This premature translational stop signal has been observed in individual(s) with breast cancer (PMID: 28724667). For these reasons, this variant has been classified as Pathogenic.

Myriad Genetics, Inc.
Classification: Pathogenic for Familial cancer of breast. Last evaluated: 2023-05-23. Review status: criteria provided, single submitter. Criteria: Myriad Autosomal Dominant, Autosomal Recessive and X-Linked Classification Criteria (2023). Collection method: clinical testing. Allele origin: unknown.
Comment: This variant is considered pathogenic. This variant creates a frameshift predicted to result in premature protein truncation.

Baylor Genetics
Classification: Likely pathogenic for Familial cancer of breast. Last evaluated: 2022-09-01. Review status: criteria provided, single submitter. Criteria: ACMG Guidelines, 2015. Collection method: clinical testing. Allele origin: unknown.

Color Diagnostics, LLC DBA Color Health
Classification: Pathogenic for Hereditary cancer-predisposing syndrome. Last evaluated: 2019-08-08. Review status: criteria provided, single submitter. Criteria: ACMG Guidelines, 2015. Collection method: clinical testing. Allele origin: germline.
Comment: This variant replaces 2 nucleotides in exon 5 of the BARD1 gene with 3 new nucleotides, creating a frameshift and premature translation stop signal. This variant is expected to result in an absent or non-functional protein product. Computational splicing tools suggest that this variant may not impact RNA splicing. To our knowledge, functional assays have not been performed for this variant nor has this variant been reported in individuals affected with hereditary cancer in the literature. This variant has not been identified in the general population by the Genome Aggregation Database (gnomAD). Loss of BARD1 function is a known mechanism of disease. Based on available evidence, this variant is classified as Pathogenic.

Juno Genomics, Hangzhou Juno Genomics, Inc
Classification: Pathogenic for Familial cancer of breast. Review status: criteria provided, single submitter. Criteria: ACMG Guidelines, 2015. Collection method: clinical testing. Allele origin: germline.
Comment: Absent from controls (or at extremely low frequency if recessive) in Genome Aggregation Database.;Null variant in a gene where loss of function (LOF) is a known mechanism of disease.;The prevalence of the variant in affected individuals is significantly increased compared to the prevalence in controls.

Literature cited by the submitters: PubMed 38355628 (cited by Quest Diagnostics Nichols Institute San Juan Capistrano); PubMed 20077502 (cited by Labcorp Genetics (formerly Invitae), Labcorp); PubMed 21344236 (cited by Labcorp Genetics (formerly Invitae), Labcorp); PubMed 28724667 (cited by Labcorp Genetics (formerly Invitae), Labcorp).